The following is an entry in ClinVar:

ClinVar aggregate classification (germline): Pathogenic. Review status: criteria provided, single submitter (1 of 4 stars). 2 submissions from 2 submitters: Pathogenic (1). 1 of the submissions does not count toward it. Last evaluated 2023-11-05.

Conditions:
CYP7B1-related disorder. Also called: CYP7B1-related condition.
Spastic paraplegia. Identifiers: MedGen C0037772, HP:0001258.

Submissions (2):

Labcorp Genetics (formerly Invitae), Labcorp
Classification: Pathogenic for Spastic paraplegia. Last evaluated: 2023-11-05. Review status: criteria provided, single submitter. Criteria: Invitae Variant Classification Sherloc (09022015). Collection method: clinical testing. Allele origin: germline.
Comment: This sequence change creates a premature translational stop signal (p.Lys244*) in the CYP7B1 gene. It is expected to result in an absent or disrupted protein product. Loss-of-function variants in CYP7B1 are known to be pathogenic (PMID: 9802883, 19363635, 19439420, 21541746, 21567895, 28039895). This variant is not present in population databases (gnomAD no frequency). This variant has not been reported in the literature in individuals affected with CYP7B1-related conditions. For these reasons, this variant has been classified as Pathogenic.

PreventionGenetics, part of Exact Sciences
Classification: Likely pathogenic for CYP7B1-related condition. Last evaluated: 2024-02-21. Review status: no assertion criteria provided. Collection method: clinical testing. Allele origin: germline. Not counted in ClinVar's aggregate classification.
Comment: The CYP7B1 c.730A>T variant is predicted to result in premature protein termination (p.Lys244*). To our knowledge, this variant has not been reported in the literature or in a large population database, indicating this variant is rare. Nonsense variants in CYP7B1 are expected to be pathogenic. This variant is interpreted as likely pathogenic.

Literature cited by the submitters: PubMed 9802883 (cited by Labcorp Genetics (formerly Invitae), Labcorp); PubMed 19363635 (cited by Labcorp Genetics (formerly Invitae), Labcorp); PubMed 19439420 (cited by Labcorp Genetics (formerly Invitae), Labcorp); PubMed 21541746 (cited by Labcorp Genetics (formerly Invitae), Labcorp); PubMed 21567895 (cited by Labcorp Genetics (formerly Invitae), Labcorp); PubMed 28039895 (cited by Labcorp Genetics (formerly Invitae), Labcorp).

NM_004820.5(CYP7B1):c.730A>T (p.Lys244Ter)

Gene: CYP7B1 (cytochrome P450 family 7 subfamily B member 1; minus strand). Cytogenetic location: 8q12.3.
Variant type: single nucleotide variant.
Coding change: c.730A>T on transcript NM_004820.5 (MANE Select); coding-DNA position 730, A replaced by T.
Protein change: p.Lys244Ter; replaces lysine 244 with a stop codon.
Molecular consequence: nonsense.
Genome position (GRCh38, 1-based): chr8:64,615,811, T>A on the plus strand (A>T on the coding strand, the complement: CYP7B1 is on the minus strand). VCF-style: chr8-64615811-T-A. GRCh37 (hg19) VCF-style: chr8-65528368-T-A.
Other names: c.730A>T, p.Lys244Ter (NM_001324112.2); c.730A>T (NM_004820.4); short protein forms K244*.
Identifiers: ClinVar variation 3006619 (VCV003006619.5), dbSNP rs1199682889, ClinGen allele CA371335098.